The following is an entry in ClinVar:

NM_001258392.3(CLPB):c.1687C>A (p.Gln563Lys)

Gene: CLPB (ClpB family mitochondrial disaggregase; minus strand). Cytogenetic location: 11q13.4.
Variant type: single nucleotide variant.
Coding change: c.1687C>A on transcript NM_001258392.3 (MANE Select); coding-DNA position 1687, C replaced by A.
Protein change: p.Gln563Lys; replaces glutamine 563 with lysine.
Molecular consequence: missense variant.
Genome position (GRCh38, 1-based): chr11:72,294,120, G>T on the plus strand (C>A on the coding strand, the complement: CLPB is on the minus strand). VCF-style: chr11-72294120-G-T. GRCh37 (hg19) VCF-style: chr11-72005164-G-T.
Other names: c.1600C>A, p.Gln534Lys (NM_001258393.3); c.1642C>A, p.Gln548Lys (NM_001258394.3); c.1777C>A, p.Gln593Lys (NM_030813.6); short protein forms Q534K, Q593K, Q548K, Q563K.
Identifiers: ClinVar variation 3647266 (VCV003647266.2).
Genomic context (GRCh38, chr11:72,294,120, plus strand): 5'-AGCCGTCGACCAGCACATCTGCCACCTCGCGGTCCCAGAGCAGCGTGATGTTGTGCCTTT[G>T]CTTGGCCTGAGATGGGTCAGATAGAAGCATGCCTGCATGTGGCCCACTGCTTTCCATCTC-3'
Protein context (NP_001245321.1, residues 553-573): ELNFWAKRAK[Gln563Lys]RHNITLLWDR

ClinVar aggregate classification (germline): Uncertain significance (1 of 4 stars; one submission).

Conditions:
3-methylglutaconic aciduria, type VIIB (MGCA7B). Also called: 3-methylglutaconic aciduria, type VII, with cataracts, neurologic involvement and neutropenia; CLPB Deficiency; 3-methylglutaconic aciduria with cataracts, neurologic involvement and neutropenia. Identifiers: Orphanet 445038, MedGen C5676893, MONDO:0014561, OMIM 616271.

Submission:

Labcorp Genetics (formerly Invitae), Labcorp
Classification: Uncertain significance for 3-methylglutaconic aciduria, type VIIB. Last evaluated: 2024-03-21. Review status: criteria provided, single submitter. Criteria: Invitae Variant Classification Sherloc (09022015). Collection method: clinical testing. Allele origin: germline.
Comment: This sequence change replaces glutamine, which is neutral and polar, with lysine, which is basic and polar, at codon 593 of the CLPB protein (p.Gln593Lys). This variant is not present in population databases (gnomAD no frequency). This variant has not been reported in the literature in individuals affected with CLPB-related conditions. An algorithm developed to predict the effect of missense changes on protein structure and function (PolyPhen-2) suggests that this variant is likely to be tolerated. In summary, the available evidence is currently insufficient to determine the role of this variant in disease. Therefore, it has been classified as a Variant of Uncertain Significance.